The following is an entry in ClinVar:

NM_058216.3(RAD51C):c.886T>G (p.Leu296Val)

Gene: RAD51C (RAD51 paralog C; plus strand). Cytogenetic location: 17q22.
Variant type: single nucleotide variant.
Coding change: c.886T>G on transcript NM_058216.3 (MANE Select); coding-DNA position 886, T replaced by G.
Protein change: p.Leu296Val; replaces leucine 296 with valine.
Molecular consequence: missense variant. On other transcripts: non-coding transcript variant (1).
Genome position (GRCh38, 1-based): chr17:58,720,794, T>G. VCF-style: chr17-58720794-T-G. GRCh37 (hg19) VCF-style: chr17-56798155-T-G.
Other names: c.*314T>G (NM_058217.1); short protein forms L296V.
Identifiers: ClinVar variation 2814541 (VCV002814541.3), dbSNP rs2143931443, ClinGen allele CA400359725.
Genomic context (GRCh38, chr17:58,720,794, plus strand): 5'-TTGTTTTTGTAGGTAATTTTAACCAATCAGATGACAACAAAGATTGATAGAAATCAGGCC[T>G]TGCTTGTTCCTGCATTAGGTGGGTAATTAATCAGATAAACATTTTAGTTTATCACAGTTT-3'
Protein context (NP_478123.1, residues 286-306): MTTKIDRNQA[Leu296Val]LVPALGESWG

ClinVar aggregate classification (germline): Uncertain significance (1 of 4 stars; one submission).

Conditions:
Fanconi anemia complementation group O. Also called: RAD51C-Related Fanconi Anemia. Identifiers: Orphanet 84, MedGen C3150653, MONDO:0013248, OMIM 613390.

Submission:

Labcorp Genetics (formerly Invitae), Labcorp
Classification: Uncertain significance for Fanconi anemia complementation group O. Last evaluated: 2022-11-15. Review status: criteria provided, single submitter. Criteria: Invitae Variant Classification Sherloc (09022015). Collection method: clinical testing. Allele origin: germline.
Comment: This sequence change replaces leucine, which is neutral and non-polar, with valine, which is neutral and non-polar, at codon 296 of the RAD51C protein (p.Leu296Val). This variant is not present in population databases (gnomAD no frequency). In summary, the available evidence is currently insufficient to determine the role of this variant in disease. Therefore, it has been classified as a Variant of Uncertain Significance. Advanced modeling of protein sequence and biophysical properties (such as structural, functional, and spatial information, amino acid conservation, physicochemical variation, residue mobility, and thermodynamic stability) performed at Invitae indicates that this missense variant is not expected to disrupt RAD51C protein function. This variant has not been reported in the literature in individuals affected with RAD51C-related conditions.